The following is an entry in ClinVar:

ClinVar aggregate classification (germline): Uncertain significance (1 of 4 stars; one submission).

Conditions:
Inborn genetic diseases. Identifiers: MedGen C0950123, MeSH D030342.

Submission:

Ambry Genetics
Classification: Uncertain significance for Inborn genetic diseases. Last evaluated: 2026-02-16. Review status: criteria provided, single submitter. Criteria: Ambry Variant Classification Scheme 2023. Collection method: clinical testing. Allele origin: germline.
Comment: The p.V689E variant (also known as c.2066T>A), located in coding exon 1 of the SAMD9 gene, results from a T to A substitution at nucleotide position 2066. The valine at codon 689 is replaced by glutamic acid, an amino acid with dissimilar properties. This amino acid position is conserved. In addition, this alteration is predicted to be deleterious by in silico analysis. Based on the available evidence, the clinical significance of this variant remains unclear.

NM_017654.4(SAMD9):c.2066T>A (p.Val689Glu)

Gene: SAMD9 (sterile alpha motif domain containing 9; minus strand). Cytogenetic location: 7q21.2.
Variant type: single nucleotide variant.
Coding change: c.2066T>A on transcript NM_017654.4 (MANE Select); coding-DNA position 2066, T replaced by A.
Protein change: p.Val689Glu; replaces valine 689 with glutamic acid.
Molecular consequence: missense variant.
Genome position (GRCh38, 1-based): chr7:93,104,032, A>T on the plus strand (T>A on the coding strand, the complement: SAMD9 is on the minus strand). VCF-style: chr7-93104032-A-T. GRCh37 (hg19) VCF-style: chr7-92733345-A-T.
Other names: c.2066T>A, p.Val689Glu (NM_001193307.2); short protein forms V689E.
Identifiers: ClinVar variation 4824707 (VCV004824707.1).
Genomic context (GRCh38, chr7:93,104,032, plus strand): 5'-TCCCTTTTGACAAAAGGTGAAGAATAACTTTCAGAAGAGAAGTAGAAGTTCCACCATGAC[A>T]CTTTGCCACCTCGATAGAAGTCTTCCTCTTTTGATGCCTTGAATTCAAGGAATTTATTTT-3'
Protein context (NP_060124.2, residues 679-699): KEEDFYRGGK[Val689Glu]SWWNFYFSSE